The following is an entry in ClinVar:

ClinVar aggregate classification (germline): Uncertain significance. Review status: criteria provided, multiple submitters, no conflicts (2 of 4 stars). 3 submissions from 3 submitters: Uncertain significance (3). Last evaluated 2025-10-11.

Conditions:
Hypertrophic cardiomyopathy. Also called: HYPERTROPHIC MYOCARDIOPATHY. Identifiers: Orphanet 217569, MedGen C0007194, MeSH D002312, MONDO:0005045, HP:0001639.
Cardiomyopathy (CMYO). Also called: Cardiomyopathies. Identifiers: Orphanet 167848, MedGen C0878544, MONDO:0004994, HP:0001638. Inheritance: Various modes of inheritance.

Allele frequency attached by ClinVar (database versions not stated): gnomAD exomes below 0.00001 and 0.00001; ExAC 0.00001.
gnomAD v4.1: 5 of 1,605,810 alleles (0.00031%); highest among the groups gnomAD compares: East Asian, 0.0022%; no homozygotes.

Submissions (3):

Labcorp Genetics (formerly Invitae), Labcorp
Classification: Uncertain significance for Hypertrophic cardiomyopathy. Last evaluated: 2025-10-11. Review status: criteria provided, single submitter. Criteria: Invitae Variant Classification Sherloc (09022015). Collection method: clinical testing. Allele origin: germline.
Comment: This sequence change falls in intron 37 of the MYH7 gene. It does not directly change the encoded amino acid sequence of the MYH7 protein. It affects a nucleotide within the consensus splice site. This variant is present in population databases (rs781124375, gnomAD 0.006%). This variant has not been reported in the literature in individuals affected with MYH7-related conditions. ClinVar contains an entry for this variant (Variation ID: 1172015). Variants that disrupt the consensus splice site are a relatively common cause of aberrant splicing (PMID: 17576681, 9536098). Algorithms developed to predict the effect of sequence changes on RNA splicing suggest that this variant is not likely to affect RNA splicing. In summary, the available evidence is currently insufficient to determine the role of this variant in disease. Therefore, it has been classified as a Variant of Uncertain Significance.

All of Us Research Program, National Institutes of Health
Classification: Uncertain significance for Cardiomyopathy. Last evaluated: 2023-11-02. Review status: criteria provided, single submitter. Criteria: ACMG Guidelines, 2015. Collection method: clinical testing. Allele origin: germline. Inheritance: Autosomal dominant inheritance. Observed: 1 variant allele, 1 heterozygote.
Comment: This variant causes an A to G nucleotide substitution at the +6 position of intron 37 of the MYH7 gene. To our knowledge, functional studies have not been reported for this variant. This variant has not been reported in individuals affected with MYH7-related disorders in the literature. This variant has been identified in 2/245476 chromosomes in the general population by the Genome Aggregation Database (gnomAD). The available evidence is insufficient to determine the role of this variant in disease conclusively. Therefore, this variant is classified as a Variant of Uncertain Significance.

This study involves interpretation of variants in research participants for the purpose of population health screening. Participant phenotype was not available at the time of variant classification. Additional details can be found in publication PMID: 35346344, PMCID: PMC8962531

Color Diagnostics, LLC DBA Color Health
Classification: Uncertain significance for Cardiomyopathy. Last evaluated: 2023-10-12. Review status: criteria provided, single submitter. Criteria: ACMG Guidelines, 2015. Collection method: clinical testing. Allele origin: germline.
Comment: This variant causes an A to G nucleotide substitution at the +6 position of intron 37 of the MYH7 gene. To our knowledge, functional studies have not been reported for this variant. This variant has not been reported in individuals affected with MYH7-related disorders in the literature. This variant has been identified in 2/245476 chromosomes in the general population by the Genome Aggregation Database (gnomAD). The available evidence is insufficient to determine the role of this variant in disease conclusively. Therefore, this variant is classified as a Variant of Uncertain Significance.

Literature cited by the submitters: PubMed 17576681 (cited by Labcorp Genetics (formerly Invitae), Labcorp); PubMed 9536098 (cited by Labcorp Genetics (formerly Invitae), Labcorp).

NM_000257.4(MYH7):c.5559+6A>G

Gene: MYH7 (myosin heavy chain 7; minus strand). Cytogenetic location: 14q11.2.
Variant type: single nucleotide variant.
Coding change: c.5559+6A>G on transcript NM_000257.4 (MANE Select); 6 bases into the intron after coding-DNA position 5559, A replaced by G.
Molecular consequence: intron variant.
Genome position (GRCh38, 1-based): chr14:23,414,989, T>C on the plus strand (A>G on the coding strand, the complement: MYH7 is on the minus strand). VCF-style: chr14-23414989-T-C. GRCh37 (hg19) VCF-style: chr14-23884198-T-C.
Identifiers: ClinVar variation 1172015 (VCV001172015.8), dbSNP rs781124375, ClinGen allele CA047320.